The following is an entry in ClinVar:

NM_017612.5(ZCCHC8):c.737G>A (p.Arg246Gln)

Gene: ZCCHC8 (zinc finger CCHC-type containing 8; minus strand). Cytogenetic location: 12q24.31.
Variant type: single nucleotide variant.
Coding change: c.737G>A on transcript NM_017612.5 (MANE Select); coding-DNA position 737, G replaced by A.
Protein change: p.Arg246Gln; replaces arginine 246 with glutamine.
Molecular consequence: missense variant.
Genome position (GRCh38, 1-based): chr12:122,482,083, C>T on the plus strand (G>A on the coding strand, the complement: ZCCHC8 is on the minus strand). VCF-style: chr12-122482083-C-T. GRCh37 (hg19) VCF-style: chr12-122966630-C-T.
Other names: c.506G>A, p.Arg169Gln (NM_001350935.2); c.440G>A, p.Arg147Gln (NM_001350936.2); c.23G>A, p.Arg8Gln (NM_001350937.2, NM_001350938.2); short protein forms R8Q, R147Q, R169Q, R246Q.
Identifiers: ClinVar variation 1916030 (VCV001916030.5), dbSNP rs748605520, ClinGen allele CA6846372.
Genomic context (GRCh38, chr12:122,482,083, plus strand): 5'-TTTGCTTCTCCACAGGCATCCATATACTCTTTTCTCTTTTCACTTATTCGAGCAGCATTC[C>T]GAGGCTACATCATGACACATTTGAAAAGAATGGTTTCATGCAACTCAGAAATATTTCAGA-3'
Protein context (NP_060082.2, residues 236-256): EHQMKDCPMP[Arg246Gln]NAARISEKRK

ClinVar aggregate classification (germline): Uncertain significance (1 of 4 stars; one submission).

Allele frequency attached by ClinVar (database versions not stated): gnomAD exomes below 0.00001; ExAC 0.00001; gnomAD 0.00001; TOPMed 0.00001.

Submission:

Labcorp Genetics (formerly Invitae), Labcorp
Classification: Uncertain significance. Last evaluated: 2021-12-24. Review status: criteria provided, single submitter. Criteria: Invitae Variant Classification Sherloc (09022015). Collection method: clinical testing. Allele origin: germline.
Comment: This sequence change replaces arginine, which is basic and polar, with glutamine, which is neutral and polar, at codon 246 of the ZCCHC8 protein (p.Arg246Gln). The frequency data for this variant in the population databases is considered unreliable, as metrics indicate poor data quality at this position in the gnomAD database. This variant has not been reported in the literature in individuals affected with ZCCHC8-related conditions. Algorithms developed to predict the effect of missense changes on protein structure and function are either unavailable or do not agree on the potential impact of this missense change (SIFT: "Deleterious"; PolyPhen-2: "Not Available"; Align-GVGD: "Class C0"). In summary, the available evidence is currently insufficient to determine the role of this variant in disease. Therefore, it has been classified as a Variant of Uncertain Significance.